The following is an entry in ClinVar:

ClinVar aggregate classification (germline): Benign/Likely benign. Review status: criteria provided, multiple submitters, no conflicts (2 of 4 stars). 20 submissions from 20 submitters: Benign (13); Likely benign (2). 5 of the submissions do not count toward it. Last evaluated 2026-02-04.

Conditions:
Cardiovascular phenotype. Identifiers: MedGen CN230736.
Arrhythmogenic right ventricular cardiomyopathy (ARVD). Also called: Cardiomyopathy, ARVC; Arrhythmogenic Right Ventricular Cardiomyopathy (ARVC); Arrhythmogenic right ventricular dysplasia; Arrhythmogenic cardiomyopathy. Identifiers: Orphanet 247, MedGen C0349788, MeSH D019571, MONDO:0016587. Disease mechanism: loss of function. Inheritance: Various modes of inheritance.
Cardiomyopathy (CMYO). Also called: Cardiomyopathies. Identifiers: Orphanet 167848, MedGen C0878544, MONDO:0004994, HP:0001638. Inheritance: Various modes of inheritance.
Arrhythmogenic right ventricular dysplasia 10. Also called: Arrhythmogenic Right Ventricular Dysplasia/Cardiomyopathy10; ARRHYTHMOGENIC RIGHT VENTRICULAR DYSPLASIA, FAMILIAL, 10; Arrhythmogenic right ventricular dysplasia/cardiomyopathy, type 10. Identifiers: MedGen C1857777, MONDO:0012434, OMIM 610193.

Allele frequency attached by ClinVar (database versions not stated): 1000 Genomes Project 30x 0.02483; 1000 Genomes Project 0.02596; TOPMed 0.04746; ExAC 0.05186; gnomAD 0.05294 and 0.05477; gnomAD exomes 0.05294 and 0.06919; ESP Exome Variant Server 0.05843.
gnomAD v4.1: 108,807 of 1,614,098 alleles (6.7%); highest among the groups gnomAD compares: Non-Finnish European, 7.8%; 4,307 homozygotes.

Submissions (20):

Labcorp Genetics (formerly Invitae), Labcorp
Classification: Benign for Arrhythmogenic right ventricular dysplasia 10. Last evaluated: 2026-02-04. Review status: criteria provided, single submitter. Criteria: Invitae Variant Classification Sherloc (09022015). Collection method: clinical testing. Allele origin: germline.

ARUP Laboratories, Molecular Genetics and Genomics, ARUP Laboratories
Classification: Benign. Last evaluated: 2025-07-17. Review status: criteria provided, single submitter. Criteria: ARUP Molecular Germline Variant Investigation Process 2024. Collection method: clinical testing. Allele origin: germline.

Blueprint Genetics
Classification: Benign. Last evaluated: 2024-11-28. Review status: criteria provided, single submitter. Criteria: ACMG Guidelines, 2015. Collection method: clinical testing. Allele origin: germline.

All of Us Research Program, National Institutes of Health
Classification: Benign for Arrhythmogenic right ventricular cardiomyopathy. Last evaluated: 2024-10-02. Review status: criteria provided, single submitter. Criteria: ACMG Guidelines, 2015. Collection method: clinical testing. Allele origin: germline. Inheritance: Autosomal dominant inheritance. Observed: 17,838 variant alleles, 17,158 heterozygotes, 675 homozygotes, 5 hemizygotes.
Comment: This study involves interpretation of variants in research participants for the purpose of population health screening. Participant phenotype was not available at the time of variant classification. Additional details can be found in publication PMID: 35346344, PMCID: PMC8962531

Molecular Diagnostic Laboratory for Inherited Cardiovascular Disease, Montreal Heart Institute
Classification: Benign. Last evaluated: 2019-07-04. Review status: criteria provided, single submitter. Criteria: ACMG Guidelines, 2015. Collection method: clinical testing. Allele origin: germline. Affected: yes.

Color Diagnostics, LLC DBA Color Health
Classification: Benign for Cardiomyopathy. Last evaluated: 2018-04-08. Review status: criteria provided, single submitter. Criteria: ACMG Guidelines, 2015. Collection method: clinical testing. Allele origin: germline.

Illumina Laboratory Services, Illumina
Classification: Likely benign for Arrhythmogenic right ventricular dysplasia 10. Last evaluated: 2017-04-27. Review status: criteria provided, single submitter. Criteria: ICSL Variant Classification Criteria 13 December 2019. Collection method: clinical testing. Allele origin: germline.
Comment: This variant was observed as part of a predisposition screen in an ostensibly healthy population. A literature search was performed for the gene, cDNA change, and amino acid change (where applicable). Publications were found based on this search. The evidence from the literature, in combination with allele frequency data from public databases where available, was sufficient to determine this variant is unlikely to cause disease. Therefore, this variant is classified as likely benign.

Eurofins Ntd Llc (ga)
Classification: Benign. Last evaluated: 2015-11-11. Review status: criteria provided, single submitter. Criteria: EGL Classification Definitions 2015. Collection method: clinical testing. Allele origin: germline. Observed: 1 variant allele, 1 heterozygote.

Ambry Genetics
Classification: Benign for Cardiovascular phenotype. Last evaluated: 2015-06-23. Review status: criteria provided, single submitter. Criteria: Ambry Variant Classification Scheme 2023. Collection method: clinical testing. Allele origin: germline.

Mayo Clinic Laboratories, Mayo Clinic
Classification: Benign. Last evaluated: 2015-04-29. Review status: criteria provided, single submitter. Criteria: ACMG Guidelines, 2015. Collection method: clinical testing. Allele origin: germline. Observed: 140 variant alleles.

Biesecker Lab/Clinical Genomics Section, National Institutes of Health
Classification: Benign for Cardiomyopathy, arrhythmogenic right ventricular. Last evaluated: 2013-06-24. Review status: criteria provided, single submitter. Criteria: Ng et al. (Circ Cardiovasc Genet. 2013). Collection method: research. Allele origin: unknown. Observed: 113 variant alleles. Study: ClinSeq.
Comment: The study set was not selected for affection status in relation to any cancer. Pathogenicity categories were based on literature curation. See Pubmed ID:23861362 for details.

Medical sequencing

GeneDx
Classification: Benign. Last evaluated: 2013-03-22. Review status: criteria provided, single submitter. Criteria: GeneDx Variant Classification (06012015). Collection method: clinical testing. Allele origin: germline. Affected: yes.
Comment: This variant is considered likely benign or benign based on one or more of the following criteria: it is a conservative change, it occurs at a poorly conserved position in the protein, it is predicted to be benign by multiple in silico algorithms, and/or has population frequency not consistent with disease.

Laboratory for Molecular Medicine, Mass General Brigham Personalized Medicine
Classification: Benign. Last evaluated: 2011-06-03. Review status: criteria provided, single submitter. Criteria: LMM Criteria. Collection method: clinical testing. Allele origin: germline. Observed: 240 variant alleles.
Comment: The Glu713Lys variant in DSG2 is a common variant with allele frequencies rangin g from 2-8% in various control cohorts (dbSNP-rs7924116, Biedermann 2005, Basso 2006, Posche 2008, Milting 2008, Drudge 2008, Kauke 2010). At this frequency thi s variant is highly unlikley to cause disease when present in isoaltion but a mo difying role cannot be excluded. Please note that it has also been referred to i n the literature as Glu712Lys.

Breakthrough Genomics
Classification: Likely benign. Review status: criteria provided, single submitter. Criteria: ACMG Guidelines, 2015. Collection method: not provided. Allele origin: germline. Inheritance: Autosomal recessive inheritance. Affected: yes.

PreventionGenetics, part of Exact Sciences
Classification: Benign. Review status: criteria provided, single submitter. Criteria: ACMG Guidelines, 2015. Collection method: clinical testing. Allele origin: germline.

Cohesion Phenomics
Classification: Benign for Cardiomyopathy. Last evaluated: 2022-09-23. Review status: no assertion criteria provided. Criteria: ACMG Guidelines, 2015. Collection method: clinical testing. Allele origin: germline. Affected: yes. Not counted in ClinVar's aggregate classification.

Clinical Genetics DNA and cytogenetics Diagnostics Lab, Erasmus MC, Erasmus Medical Center
Classification: Benign. Review status: no assertion criteria provided. Collection method: clinical testing. Allele origin: germline. Affected: yes. Study: VKGL Data-share Consensus. Not counted in ClinVar's aggregate classification.

Clinical Genetics, Academic Medical Center
Classification: Benign. Review status: no assertion criteria provided. Collection method: clinical testing. Allele origin: germline. Affected: yes. Study: VKGL Data-share Consensus. Not counted in ClinVar's aggregate classification.

Diagnostic Laboratory, Department of Genetics, University Medical Center Groningen
Classification: Benign. Review status: no assertion criteria provided. Collection method: clinical testing. Allele origin: germline. Affected: yes. Study: VKGL Data-share Consensus. Not counted in ClinVar's aggregate classification.

Genome Diagnostics Laboratory, University Medical Center Utrecht
Classification: Benign. Review status: no assertion criteria provided. Collection method: clinical testing. Allele origin: germline. Affected: yes. Study: VKGL Data-share Consensus. Not counted in ClinVar's aggregate classification.

Literature cited by the submitters: PubMed 16774985 (cited by Illumina Laboratory Services, Illumina and Laboratory for Molecular Medicine, Mass General Brigham Personalized Medicine); PubMed 18813333 (cited by Illumina Laboratory Services, Illumina and Laboratory for Molecular Medicine, Mass General Brigham Personalized Medicine); PubMed 19039334 (cited by Illumina Laboratory Services, Illumina); PubMed 18382419 (cited by Laboratory for Molecular Medicine, Mass General Brigham Personalized Medicine); PubMed 16025435 (cited by Laboratory for Molecular Medicine, Mass General Brigham Personalized Medicine); PubMed 18678517 (cited by Laboratory for Molecular Medicine, Mass General Brigham Personalized Medicine); PubMed 20031617 (cited by Laboratory for Molecular Medicine, Mass General Brigham Personalized Medicine); PubMed 20031616 (cited by Laboratory for Molecular Medicine, Mass General Brigham Personalized Medicine); PubMed 19863551 (cited by Laboratory for Molecular Medicine, Mass General Brigham Personalized Medicine); PubMed 20829228 (cited by Laboratory for Molecular Medicine, Mass General Brigham Personalized Medicine).

NM_001943.5(DSG2):c.2137G>A (p.Glu713Lys)

Genes: DSG2 (desmoglein 2; plus strand), DSG2-AS1 (DSG2 antisense RNA 1; minus strand). Cytogenetic location: 18q12.1.
Variant type: single nucleotide variant.
Coding change: c.2137G>A on transcript NM_001943.5 (MANE Select); coding-DNA position 2137, G replaced by A.
Protein change: p.Glu713Lys; replaces glutamic acid 713 with lysine.
Molecular consequence: missense variant.
Genome position (GRCh38, 1-based): chr18:31,542,655, G>A. VCF-style: chr18-31542655-G-A. GRCh37 (hg19) VCF-style: chr18-29122618-G-A.
Other names: p.E713K:GAG>AAG; short protein forms E713K.
Identifiers: ClinVar variation 44295 (VCV000044295.50), dbSNP rs79241126, ClinGen allele CA021676.